The following is an entry in ClinVar:

NM_020708.5(SLC12A5):c.1688T>C (p.Met563Thr)

Gene: SLC12A5 (solute carrier family 12 member 5; plus strand). Cytogenetic location: 20q13.12.
Variant type: single nucleotide variant.
Coding change: c.1688T>C on transcript NM_020708.5 (MANE Select); coding-DNA position 1688, T replaced by C.
Protein change: p.Met563Thr; replaces methionine 563 with threonine.
Molecular consequence: missense variant.
Genome position (GRCh38, 1-based): chr20:46,045,996, T>C. VCF-style: chr20-46045996-T-C. GRCh37 (hg19) VCF-style: chr20-44674635-T-C.
Other names: c.1757T>C, p.Met586Thr (NM_001134771.2); short protein forms M586T, M563T.
Identifiers: ClinVar variation 2084836 (VCV002084836.4), dbSNP rs1208355894, ClinGen allele CA409196687.

ClinVar aggregate classification (germline): Uncertain significance (1 of 4 stars; one submission).

Conditions:
Developmental and epileptic encephalopathy, 34 (DEE34). Also called: SLC12A5-Related Epilepsy of Infancy with Migrating Focal Seizures; Early infantile epileptic encephalopathy 34. Identifiers: Orphanet 293181, MedGen C4225257, MONDO:0014718, OMIM 616645.

Allele frequency attached by ClinVar (database versions not stated): gnomAD exomes below 0.00001; TOPMed below 0.00001.
gnomAD v4.1: 1 of 1,613,428 alleles (0.000062%); highest among the groups gnomAD compares: Non-Finnish European, 0.000085%; no homozygotes.

Submission:

Labcorp Genetics (formerly Invitae), Labcorp
Classification: Uncertain significance for Developmental and epileptic encephalopathy, 34. Last evaluated: 2022-01-16. Review status: criteria provided, single submitter. Criteria: Invitae Variant Classification Sherloc (09022015). Collection method: clinical testing. Allele origin: germline.
Comment: In summary, the available evidence is currently insufficient to determine the role of this variant in disease. Therefore, it has been classified as a Variant of Uncertain Significance. Algorithms developed to predict the effect of missense changes on protein structure and function are either unavailable or do not agree on the potential impact of this missense change (SIFT: "Deleterious"; PolyPhen-2: "Possibly Damaging"; Align-GVGD: "Class C0"). This variant has not been reported in the literature in individuals affected with SLC12A5-related conditions. This variant is not present in population databases (gnomAD no frequency). This sequence change replaces methionine, which is neutral and non-polar, with threonine, which is neutral and polar, at codon 563 of the SLC12A5 protein (p.Met563Thr).